The following is an entry in ClinVar:

NM_000059.4(BRCA2):c.5570A>G (p.Glu1857Gly)

Gene: BRCA2 (BRCA2 DNA repair associated; plus strand). Cytogenetic location: 13q13.1.
Variant type: single nucleotide variant.
Coding change: c.5570A>G on transcript NM_000059.4 (MANE Select); coding-DNA position 5570, A replaced by G.
Protein change: p.Glu1857Gly; replaces glutamic acid 1857 with glycine.
Molecular consequence: missense variant. On other transcripts: non-coding transcript variant (1), intron variant (2).
Genome position (GRCh38, 1-based): chr13:32,339,925, A>G. VCF-style: chr13-32339925-A-G. GRCh37 (hg19) VCF-style: chr13-32914062-A-G.
Other names: c.5570A>G, p.Glu1857Gly (NM_001406719.1, NM_001406720.1); c.1910-4633A>G (NM_001406721.1); c.425-4633A>G (NM_001406722.1); short protein forms E1857G.
Identifiers: ClinVar variation 2774922 (VCV002774922.5), dbSNP rs2137518679, ClinGen allele CA387785995.

ClinVar aggregate classification (germline): Uncertain significance. Review status: criteria provided, multiple submitters, no conflicts (2 of 4 stars). 2 submissions from 2 submitters: Uncertain significance (2). Last evaluated 2024-01-03.

Conditions:
Hereditary cancer-predisposing syndrome. Also called: Neoplastic Syndromes, Hereditary; Tumor predisposition; Hereditary Cancer Syndrome; Hereditary neoplastic syndrome. Identifiers: Orphanet 140162, MedGen C0027672, MeSH D009386, MONDO:0015356.
Hereditary breast ovarian cancer syndrome. Also called: Hereditary breast and ovarian cancer syndrome (HBOC); Hereditary breast and/or ovarian cancer syndrome; Hereditary breast and ovarian cancer; Hereditary breast and ovarian cancer syndrome; BRCA1- and BRCA2-Associated Hereditary Breast and Ovarian Cancer; Breast and ovarian cancer. Identifiers: Orphanet 145, MedGen C0677776, MeSH D061325, MONDO:0003582. Disease mechanism: loss of function.

Submissions (2):

Color Diagnostics, LLC DBA Color Health
Classification: Uncertain significance for Hereditary cancer-predisposing syndrome. Last evaluated: 2024-01-03. Review status: criteria provided, single submitter. Criteria: ACMG Guidelines, 2015. Collection method: clinical testing. Allele origin: germline.
Comment: This missense variant replaces glutamic acid with glycine at codon 1857 of the BRCA2 protein. Computational prediction suggests that this variant may not impact protein structure and function. To our knowledge, functional studies have not been reported for this variant. This variant has not been reported in individuals affected with BRCA2-related disorders in the literature. This variant has not been identified in the general population by the Genome Aggregation Database (gnomAD). The available evidence is insufficient to determine the role of this variant in disease conclusively. Therefore, this variant is classified as a Variant of Uncertain Significance.

Labcorp Genetics (formerly Invitae), Labcorp
Classification: Uncertain significance for Hereditary breast ovarian cancer syndrome. Last evaluated: 2022-11-06. Review status: criteria provided, single submitter. Criteria: Invitae Variant Classification Sherloc (09022015). Collection method: clinical testing. Allele origin: germline.
Comment: In summary, the available evidence is currently insufficient to determine the role of this variant in disease. Therefore, it has been classified as a Variant of Uncertain Significance. Advanced modeling of protein sequence and biophysical properties (such as structural, functional, and spatial information, amino acid conservation, physicochemical variation, residue mobility, and thermodynamic stability) performed at Invitae indicates that this missense variant is not expected to disrupt BRCA2 protein function. This variant has not been reported in the literature in individuals affected with BRCA2-related conditions. This variant is not present in population databases (gnomAD no frequency). This sequence change replaces glutamic acid, which is acidic and polar, with glycine, which is neutral and non-polar, at codon 1857 of the BRCA2 protein (p.Glu1857Gly).